The following is an entry in ClinVar:

NM_001458.5(FLNC):c.6775G>A (p.Gly2259Ser)

Genes: FLNC (filamin C; plus strand), FLNC-AS1 (FLNC antisense RNA 1; minus strand). Cytogenetic location: 7q32.1.
Variant type: single nucleotide variant.
Coding change: c.6775G>A on transcript NM_001458.5 (MANE Select); coding-DNA position 6775, G replaced by A.
Protein change: p.Gly2259Ser; replaces glycine 2259 with serine.
Molecular consequence: missense variant.
Genome position (GRCh38, 1-based): chr7:128,854,460, G>A. VCF-style: chr7-128854460-G-A. GRCh37 (hg19) VCF-style: chr7-128494514-G-A.
Other names: c.6676G>A, p.Gly2226Ser (NM_001127487.2); short protein forms G2259S, G2226S.
Identifiers: ClinVar variation 2097218 (VCV002097218.4), dbSNP rs1195076416, ClinGen allele CA369213646.

ClinVar aggregate classification (germline): Uncertain significance (1 of 4 stars; one submission).

Conditions:
Myofibrillar myopathy 5. Also called: Filaminopathy (type); FILAMINOPATHY, AUTOSOMAL DOMINANT. Identifiers: Orphanet 171445, MedGen C1836050, MONDO:0012289, OMIM 609524.
Distal myopathy with posterior leg and anterior hand involvement. Also called: WILLIAMS DISTAL MYOPATHY. Identifiers: Orphanet 63273, MedGen C3279722, MONDO:0013550, OMIM 614065.
Hypertrophic cardiomyopathy 26. Also called: Cardiomyopathy, familial hypertrophic, 26. Identifiers: Orphanet 75249, MedGen C4310749, MONDO:0014883, OMIM 617047.

Submission:

Labcorp Genetics (formerly Invitae), Labcorp
Classification: Uncertain significance for Distal myopathy with posterior leg and anterior hand involvement; Myofibrillar myopathy 5; Hypertrophic cardiomyopathy 26. Last evaluated: 2022-10-12. Review status: criteria provided, single submitter. Criteria: Invitae Variant Classification Sherloc (09022015). Collection method: clinical testing. Allele origin: germline.
Comment: In summary, the available evidence is currently insufficient to determine the role of this variant in disease. Therefore, it has been classified as a Variant of Uncertain Significance. Advanced modeling of protein sequence and biophysical properties (such as structural, functional, and spatial information, amino acid conservation, physicochemical variation, residue mobility, and thermodynamic stability) performed at Invitae indicates that this missense variant is not expected to disrupt FLNC protein function. This variant has not been reported in the literature in individuals affected with FLNC-related conditions. This variant is not present in population databases (gnomAD no frequency). This sequence change replaces glycine, which is neutral and non-polar, with serine, which is neutral and polar, at codon 2259 of the FLNC protein (p.Gly2259Ser).